The following is an entry in ClinVar:

ClinVar aggregate classification (germline): Conflicting classifications of pathogenicity. Review status: criteria provided, conflicting classifications (1 of 4 stars). 4 submissions from 4 submitters: Uncertain significance (1); Benign (2). 1 of the submissions does not count toward it. Last evaluated 2025-12-30.

Conditions:
SYNE2-related disorder. Also called: SYNE2-related condition.
Emery-Dreifuss muscular dystrophy 5, autosomal dominant (EDMD5). Also called: EMERY-DREIFUSS MUSCULAR DYSTROPHY 5. Identifiers: Orphanet 261, MedGen C2751805, MONDO:0013072, OMIM 612999.

Allele frequency attached by ClinVar (database versions not stated): gnomAD exomes 0.00016 and 0.00032; ExAC 0.00035; ESP Exome Variant Server 0.00115; gnomAD 0.00117 and 0.00127; TOPMed 0.00135; 1000 Genomes Project 0.00160; 1000 Genomes Project 30x 0.00172.
gnomAD v4.1: 426 of 1,614,088 alleles (0.026%); highest among the groups gnomAD compares: African/African-American, 0.37%; 1 homozygote.

Submissions (4):

Labcorp Genetics (formerly Invitae), Labcorp
Classification: Benign for Emery-Dreifuss muscular dystrophy 5, autosomal dominant. Last evaluated: 2025-12-30. Review status: criteria provided, single submitter. Criteria: Invitae Variant Classification Sherloc (09022015). Collection method: clinical testing. Allele origin: germline.

CeGaT Center for Human Genetics Tuebingen
Classification: Benign. Last evaluated: 2023-05-01. Review status: criteria provided, single submitter. Criteria: CeGaT Center For Human Genetics Tuebingen Variant Classification Criteria Version 2. Collection method: clinical testing. Allele origin: germline. Affected: yes. Observed: 2 variant alleles.
Comment: SYNE2: BS1, BS2

Eurofins Ntd Llc (ga)
Classification: Uncertain significance. Last evaluated: 2015-04-21. Review status: criteria provided, single submitter. Criteria: EGL Classification Definitions 2015. Collection method: clinical testing. Allele origin: germline. Observed: 3 variant alleles, 3 heterozygotes.

PreventionGenetics, part of Exact Sciences
Classification: Likely benign for SYNE2-related condition. Last evaluated: 2019-07-01. Review status: no assertion criteria provided. Collection method: clinical testing. Allele origin: germline. Not counted in ClinVar's aggregate classification.
Comment: This variant is classified as likely benign based on ACMG/AMP sequence variant interpretation guidelines (Richards et al. 2015 PMID: 25741868, with internal and published modifications).

NM_182914.3(SYNE2):c.15445C>T (p.Arg5149Cys)

Gene: SYNE2 (spectrin repeat containing nuclear envelope protein 2; plus strand). Cytogenetic location: 14q23.2.
Variant type: single nucleotide variant.
Coding change: c.15445C>T on transcript NM_182914.3 (MANE Select); coding-DNA position 15445, C replaced by T.
Protein change: p.Arg5149Cys; replaces arginine 5149 with cysteine.
Molecular consequence: missense variant.
Genome position (GRCh38, 1-based): chr14:64,143,910, C>T. VCF-style: chr14-64143910-C-T. GRCh37 (hg19) VCF-style: chr14-64610628-C-T.
Other names: c.15445C>T, p.Arg5149Cys (NM_015180.6); short protein forms R5149C.
Identifiers: ClinVar variation 198955 (VCV000198955.41), dbSNP rs143088941, ClinGen allele CA247888.
Genomic context (GRCh38, chr14:64,143,910, plus strand): 5'-GATGTAGAAAGCAAGCGCTATGAAAGAACGGAGTTTGCAGAGCACCTGGGGGAGATGAAC[C>T]GCCAGTGGCACCGTGTACATGGAATGCTGAATAGAAAGGTGTGTTCCTGCGTCACAACTG-3'
Protein context (NP_878918.2, residues 5139-5159): EFAEHLGEMN[Arg5149Cys]QWHRVHGMLN